The following is an entry in ClinVar:

ClinVar aggregate classification (germline): Uncertain significance (1 of 4 stars; one submission).

Conditions:
Paroxysmal nonkinesigenic dyskinesia. Also called: Paroxysmal non-kinesigenic dyskinesia. Identifiers: Orphanet 98810, MedGen C1869117, MONDO:0700088.

Submission:

Labcorp Genetics (formerly Invitae), Labcorp
Classification: Uncertain significance for Paroxysmal nonkinesigenic dyskinesia. Last evaluated: 2025-01-27. Review status: criteria provided, single submitter. Criteria: Invitae Variant Classification Sherloc (09022015). Collection method: clinical testing. Allele origin: germline.
Comment: This sequence change replaces glycine, which is neutral and non-polar, with valine, which is neutral and non-polar, at codon 107 of the PNKD protein (p.Gly107Val). This variant is not present in population databases (gnomAD no frequency). This variant has not been reported in the literature in individuals affected with PNKD-related conditions. ClinVar contains an entry for this variant (Variation ID: 1468422). Invitae Evidence Modeling of protein sequence and biophysical properties (such as structural, functional, and spatial information, amino acid conservation, physicochemical variation, residue mobility, and thermodynamic stability) indicates that this missense variant is not expected to disrupt PNKD protein function with a negative predictive value of 80%. In summary, the available evidence is currently insufficient to determine the role of this variant in disease. Therefore, it has been classified as a Variant of Uncertain Significance.

NM_015488.5(PNKD):c.320G>T (p.Gly107Val)

Genes: CATIP-AS2 (CATIP antisense RNA 2; minus strand), PNKD (PNKD metallo-beta-lactamase domain containing; plus strand). Cytogenetic location: 2q35.
Variant type: single nucleotide variant.
Coding change: c.320G>T on transcript NM_015488.5 (MANE Select); coding-DNA position 320, G replaced by T.
Protein change: p.Gly107Val; replaces glycine 107 with valine.
Molecular consequence: missense variant.
Genome position (GRCh38, 1-based): chr2:218,339,866, G>T. VCF-style: chr2-218339866-G-T. GRCh37 (hg19) VCF-style: chr2-219204589-G-T.
Other names: c.248G>T, p.Gly83Val (NM_022572.5); short protein forms G83V, G107V.
Identifiers: ClinVar variation 1468422 (VCV001468422.8), dbSNP rs2106292830, ClinGen allele CA350538237.